The following is an entry in ClinVar:

ClinVar aggregate classification (germline): Pathogenic (1 of 4 stars; one submission).

Conditions:
Radio-Tartaglia syndrome. Identifiers: Orphanet 662234, MedGen C5543339, MONDO:0859143, OMIM 619312.

Submission:

Institute of Human Genetics, University of Leipzig Medical Center
Classification: Pathogenic for Radio-Tartaglia syndrome. Last evaluated: 2022-08-12. Review status: criteria provided, single submitter. Criteria: ACMG Guidelines, 2015. Collection method: clinical testing. Allele origin: de novo. Affected: yes.
Comment: This variant was identified as de novo (maternity and paternity confirmed)._x000D_ Criteria applied: PVS1, PS2_MOD, PM2_SUP

NM_015001.3(SPEN):c.4943_4944insTA (p.Glu1648fs)

Gene: SPEN (spen family transcriptional repressor; plus strand). Cytogenetic location: 1p36.13.
Variant type: Insertion.
Coding change: c.4943_4944insTA on transcript NM_015001.3 (MANE Select); coding-DNA positions 4943 to 4944, TA inserted.
Protein change: p.Glu1648fs; shifts the reading frame from glutamic acid 1648.
Molecular consequence: frameshift variant.
Genome position: GRCh38 VCF-style: chr1-15931182-G-GAT. GRCh37 (hg19) VCF-style: chr1-16257677-G-GAT.
Other names: short protein forms E1648fs.
Identifiers: ClinVar variation 1707514 (VCV001707514.1), dbSNP rs2523081439, ClinGen allele CA2580060763.